The following is an entry in ClinVar:

ClinVar aggregate classification (germline): Uncertain significance. Review status: criteria provided, multiple submitters, no conflicts (2 of 4 stars). 5 submissions from 5 submitters: Uncertain significance (5). Last evaluated 2025-05-26.

Conditions:
Cardiovascular phenotype. Identifiers: MedGen CN230736.
Long QT syndrome (LQTS). Identifiers: MedGen C0023976, MeSH D008133, MONDO:0002442. Disease mechanism: loss of function. Inheritance: Various modes of inheritance.
Cardiac arrhythmia, ankyrin-B-related. Also called: ANKYRIN-B SYNDROME. Identifiers: Orphanet 101016, Orphanet 768, MedGen C1970119, MONDO:0010958, OMIM 600919.

Allele frequency attached by ClinVar (database versions not stated): gnomAD exomes below 0.00001 and 0.00001; ExAC 0.00002; TOPMed 0.00002.
gnomAD v4.1: 3 of 1,614,148 alleles (0.00019%); highest among the groups gnomAD compares: Non-Finnish European, 0.00025%; no homozygotes.

Submissions (5):

Ambry Genetics
Classification: Uncertain significance for Cardiovascular phenotype. Last evaluated: 2025-05-26. Review status: criteria provided, single submitter. Criteria: Ambry Variant Classification Scheme 2023. Collection method: clinical testing. Allele origin: germline.
Comment: The p.M2183V variant (also known as c.6547A>G), located in coding exon 38 of the ANK2 gene, results from an A to G substitution at nucleotide position 6547. The methionine at codon 2183 is replaced by valine, an amino acid with highly similar properties. This amino acid position is conserved. In addition, this alteration is predicted to be tolerated by in silico analysis. Since supporting evidence is limited at this time, the clinical significance of this alteration remains unclear.

GeneDx
Classification: Uncertain significance. Last evaluated: 2024-09-11. Review status: criteria provided, single submitter. Criteria: GeneDx Variant Classification Process June 2021. Collection method: clinical testing. Allele origin: germline. Affected: yes.
Comment: Not observed at significant frequency in large population cohorts (gnomAD); In silico analysis indicates that this missense variant does not alter protein structure/function; Has not been previously published as pathogenic or benign to our knowledge; Located in exon 38, which is reported as being expressed in a brain-specific transcript (PMID: 1830053, 18790697, 26109584); This variant is associated with the following publications: (PMID: 1830053, 18790697, 26109584)

Fulgent Genetics
Classification: Uncertain significance for Cardiac arrhythmia, ankyrin-B-related. Last evaluated: 2021-10-06. Review status: criteria provided, single submitter. Criteria: ACMG Guidelines, 2015. Collection method: clinical testing. Allele origin: unknown.

Labcorp Genetics (formerly Invitae), Labcorp
Classification: Uncertain significance for Long QT syndrome. Last evaluated: 2020-12-21. Review status: criteria provided, single submitter. Criteria: Invitae Variant Classification Sherloc (09022015). Collection method: clinical testing. Allele origin: germline.
Comment: Algorithms developed to predict the effect of missense changes on protein structure and function output the following: SIFT: "Tolerated"; PolyPhen-2: "Benign"; Align-GVGD: "Class C0". The valine amino acid residue is found in multiple mammalian species, suggesting that this missense change does not adversely affect protein function. These predictions have not been confirmed by published functional studies and their clinical significance is uncertain. In summary, the available evidence is currently insufficient to determine the role of this variant in disease. Therefore, it has been classified as a Variant of Uncertain Significance. This variant has not been reported in the literature in individuals with ANK2-related conditions. ClinVar contains an entry for this variant (Variation ID: 347329). This variant is present in population databases (rs773708100, ExAC 0.003%). This sequence change replaces methionine with valine at codon 2183 of the ANK2 protein (p.Met2183Val). The methionine residue is weakly conserved and there is a small physicochemical difference between methionine and valine.

Illumina Laboratory Services, Illumina
Classification: Uncertain significance for Cardiac arrhythmia, ankyrin-B-related. Last evaluated: 2018-01-13. Review status: criteria provided, single submitter. Criteria: ICSL Variant Classification Criteria 13 December 2019. Collection method: clinical testing. Allele origin: germline.

NM_001148.6(ANK2):c.6547A>G (p.Met2183Val)

Gene: ANK2 (ankyrin 2; plus strand). Cytogenetic location: 4q26.
Variant type: single nucleotide variant.
Coding change: c.6547A>G on transcript NM_001148.6 (MANE Select); coding-DNA position 6547, A replaced by G.
Protein change: p.Met2183Val; replaces methionine 2183 with valine.
Molecular consequence: missense variant. On other transcripts: intron variant (68).
Genome position (GRCh38, 1-based): chr4:113,355,165, A>G. VCF-style: chr4-113355165-A-G. GRCh37 (hg19) VCF-style: chr4-114276321-A-G.
Other names: c.6313A>G, p.Met2105Val (NM_001386142.1); c.2947A>G, p.Met983Val (NM_001386166.1); c.6688A>G, p.Met2230Val (NM_001386174.1); c.6664A>G, p.Met2222Val (NM_001386175.1); c.4411+4916A>G (NM_001386186.2, NM_001386148.2); c.4213+4916A>G (NM_001354269.3); c.4291+4916A>G (NM_001386187.2); c.4252+4916A>G (NM_001386147.1); and 35 more; short protein forms M2183V, M2105V, M2222V, M2230V, M983V.
Identifiers: ClinVar variation 347329 (VCV000347329.20), dbSNP rs773708100, ClinGen allele CA3051431.